The following is an entry in ClinVar:

ClinVar aggregate classification (germline): Uncertain significance (1 of 4 stars; one submission).

Conditions:
Cardiovascular phenotype. Identifiers: MedGen CN230736.

Allele frequency attached by ClinVar (database versions not stated): gnomAD exomes below 0.00001; TOPMed below 0.00001.
gnomAD v4.1: 1 of 1,614,110 alleles (0.000062%); highest among the groups gnomAD compares: Non-Finnish European, 0.000085%; no homozygotes.

Submission:

Ambry Genetics
Classification: Uncertain significance for Cardiovascular phenotype. Last evaluated: 2020-07-28. Review status: criteria provided, single submitter. Criteria: Ambry Variant Classification Scheme 2023. Collection method: clinical testing. Allele origin: germline.
Comment: The p.I475L variant (also known as c.1423A>T), located in coding exon 10 of the DSC2 gene, results from an A to T substitution at nucleotide position 1423. The isoleucine at codon 475 is replaced by leucine, an amino acid with highly similar properties. This amino acid position is poorly conserved in available vertebrate species. In addition, this alteration is predicted to be tolerated by in silico analysis. Since supporting evidence is limited at this time, the clinical significance of this alteration remains unclear.

NM_024422.6(DSC2):c.1423A>T (p.Ile475Leu)

Gene: DSC2 (desmocollin 2; minus strand). Cytogenetic location: 18q12.1.
Variant type: single nucleotide variant.
Coding change: c.1423A>T on transcript NM_024422.6 (MANE Select); coding-DNA position 1423, A replaced by T.
Protein change: p.Ile475Leu; replaces isoleucine 475 with leucine.
Molecular consequence: missense variant.
Genome position (GRCh38, 1-based): chr18:31,080,193, T>A on the plus strand (A>T on the coding strand, the complement: DSC2 is on the minus strand). VCF-style: chr18-31080193-T-A. GRCh37 (hg19) VCF-style: chr18-28660159-T-A.
Other names: c.994A>T, p.Ile332Leu (NM_001406506.1, NM_001406507.1); c.1423A>T, p.Ile475Leu (NM_004949.5); short protein forms I475L, I332L.
Identifiers: ClinVar variation 1772306 (VCV001772306.2), dbSNP rs1987165925, ClinGen allele CA402108532.